The following is an entry in ClinVar:

NM_001267550.2(TTN):c.104901T>G (p.Ser34967=)

Genes: TTN (titin; minus strand), TTN-AS1 (TTN antisense RNA 1; plus strand). Cytogenetic location: 2q31.2.
Variant type: single nucleotide variant.
Coding change: c.104901T>G on transcript NM_001267550.2 (MANE Select); coding-DNA position 104901, T replaced by G.
Protein change: p.Ser34967=; no amino-acid change (serine 34967 retained).
Molecular consequence: synonymous variant.
Genome position (GRCh38, 1-based): chr2:178,531,714, A>C on the plus strand (T>G on the coding strand, the complement: TTN is on the minus strand). VCF-style: chr2-178531714-A-C. GRCh37 (hg19) VCF-style: chr2-179396441-A-C.
Other names: c.99978T>G, p.Ser33326= (NM_001256850.1); c.77706T>G, p.Ser25902= (NM_003319.4); c.97197T>G, p.Ser32399= (NM_133378.4); c.78081T>G, p.Ser26027= (NM_133432.3); c.78282T>G, p.Ser26094= (NM_133437.4).
Identifiers: ClinVar variation 413143 (VCV000413143.17), dbSNP rs367610925, ClinGen allele CA1985337.

ClinVar aggregate classification (germline): Likely benign. Review status: criteria provided, multiple submitters, no conflicts (2 of 4 stars). 5 submissions from 5 submitters: Likely benign (5). Last evaluated 2026-04-27.

Conditions:
Cardiovascular phenotype. Identifiers: MedGen CN230736.
TTN-related disorder. Also called: TTN-related disorders; TTN-related condition; TTN-related disease.
Autosomal recessive limb-girdle muscular dystrophy type 2J (LGMDR10). Also called: Limb-girdle muscular dystrophy, type 2J; MUSCULAR DYSTROPHY, LIMB-GIRDLE, AUTOSOMAL RECESSIVE 10. Identifiers: Orphanet 140922, MedGen C1837342, MONDO:0012127, OMIM 608807.
Dilated cardiomyopathy 1G (CMD1G). Identifiers: Orphanet 154, MedGen C1858763, MONDO:0011400, OMIM 604145.

Allele frequency attached by ClinVar (database versions not stated): gnomAD exomes below 0.00001 and 0.00001; ExAC 0.00002; gnomAD 0.00007; TOPMed 0.00007.
gnomAD v4.1: 14 of 1,613,886 alleles (0.00087%); highest among the groups gnomAD compares: African/African-American, 0.019%; no homozygotes.

Submissions (5):

Women's Health and Genetics/Laboratory Corporation of America, LabCorp
Classification: Likely benign. Last evaluated: 2026-04-27. Review status: criteria provided, single submitter. Criteria: LabCorp Variant Classification Summary - May 2015. Collection method: clinical testing. Allele origin: germline.

PreventionGenetics, part of Exact Sciences
Classification: Likely benign for TTN-related condition. Last evaluated: 2026-04-13. Review status: criteria provided, single submitter. Criteria: ACMG Guidelines, 2015. Collection method: clinical testing. Allele origin: germline.
Comment: This variant is classified as likely benign based on ACMG/AMP sequence variant interpretation guidelines (Richards et al. 2015 PMID: 25741868, with internal and published modifications).

Labcorp Genetics (formerly Invitae), Labcorp
Classification: Likely benign for Dilated cardiomyopathy 1G; Autosomal recessive limb-girdle muscular dystrophy type 2J. Last evaluated: 2025-12-24. Review status: criteria provided, single submitter. Criteria: Invitae Variant Classification Sherloc (09022015). Collection method: clinical testing. Allele origin: germline.

Ambry Genetics
Classification: Likely benign for Cardiovascular phenotype. Last evaluated: 2022-05-30. Review status: criteria provided, single submitter. Criteria: Ambry Variant Classification Scheme 2023. Collection method: clinical testing. Allele origin: germline.

GeneDx
Classification: Likely benign. Last evaluated: 2019-11-18. Review status: criteria provided, single submitter. Criteria: GeneDx Variant Classification Process June 2021. Collection method: clinical testing. Allele origin: germline. Affected: yes.